The following is an entry in ClinVar:

ClinVar aggregate classification (germline): Uncertain significance (1 of 4 stars; one submission).

Conditions:
Familial focal epilepsy with variable foci (FPEVF). Identifiers: Orphanet 98820, MedGen C1858477, MONDO:0020310.

Submission:

Labcorp Genetics (formerly Invitae), Labcorp
Classification: Uncertain significance for Familial focal epilepsy with variable foci. Last evaluated: 2026-01-05. Review status: criteria provided, single submitter. Criteria: Invitae Variant Classification Sherloc (09022015). Collection method: clinical testing. Allele origin: germline.
Comment: This sequence change replaces serine, which is neutral and polar, with arginine, which is basic and polar, at codon 686 of the DEPDC5 protein (p.Ser686Arg). This variant is not present in population databases (gnomAD no frequency). This variant has not been reported in the literature in individuals affected with DEPDC5-related conditions. Experimental studies and prediction algorithms are not available or were not evaluated, and the functional significance of this variant is currently unknown. In summary, the available evidence is currently insufficient to determine the role of this variant in disease. Therefore, it has been classified as a Variant of Uncertain Significance.

NM_001242896.3(DEPDC5):c.2056A>C (p.Ser686Arg)

Gene: DEPDC5 (DEP domain containing 5, GATOR1 subcomplex subunit; plus strand). Cytogenetic location: 22q12.3.
Variant type: single nucleotide variant.
Coding change: c.2056A>C on transcript NM_001242896.3 (MANE Select); coding-DNA position 2056, A replaced by C.
Protein change: p.Ser686Arg; replaces serine 686 with arginine.
Molecular consequence: missense variant. On other transcripts: non-coding transcript variant (4), intron variant (3).
Genome position (GRCh38, 1-based): chr22:31,822,742, A>C. VCF-style: chr22-31822742-A-C. GRCh37 (hg19) VCF-style: chr22-32218728-A-C.
Other names: c.2056A>C, p.Ser686Arg (NM_001136029.4, NM_001363852.2, NM_001364318.2 and 3 more transcripts); c.1972A>C, p.Ser658Arg (NM_001369901.1, NM_001369902.1); c.1870+3517A>C (NM_001363854.2, NM_001242897.2, NM_001364319.2); short protein forms S686R, S658R.
Identifiers: ClinVar variation 4691256 (VCV004691256.1).
Genomic context (GRCh38, chr22:31,822,742, plus strand): 5'-GTTCTCTGCAGGCACAGCAATTCCCGCCAGCCTGGTGACGGCATGTCCTTCTTGAACTTC[A>C]GTGGAACAGAGGAGCTTTCTGTCGGCCTGCTTAGCAACAGTGGTGCAGGTAACCAATCCA-3'
Protein context (NP_001229825.1, residues 676-696): PGDGMSFLNF[Ser686Arg]GTEELSVGLL